The following is an entry in ClinVar:

ClinVar aggregate classification (germline): Uncertain significance. Review status: criteria provided, multiple submitters, no conflicts (2 of 4 stars). 2 submissions from 2 submitters: Uncertain significance (2). Last evaluated 2025-04-23.

Conditions:
Hereditary cancer-predisposing syndrome. Also called: Neoplastic Syndromes, Hereditary; Tumor predisposition; Hereditary neoplastic syndrome; Hereditary Cancer Syndrome. Identifiers: Orphanet 140162, MedGen C0027672, MeSH D009386, MONDO:0015356.
Cardiovascular phenotype. Identifiers: MedGen CN230736.

Allele frequency attached by ClinVar (database versions not stated): gnomAD exomes below 0.00001; gnomAD 0.00001.
gnomAD v4.1: 6 of 1,611,784 alleles (0.00037%); highest among the groups gnomAD compares: Non-Finnish European, 0.00051%; no homozygotes.

Submissions (2):

Labcorp Genetics (formerly Invitae), Labcorp
Classification: Uncertain significance. Last evaluated: 2025-04-23. Review status: criteria provided, single submitter. Criteria: Invitae Variant Classification Sherloc (09022015). Collection method: clinical testing. Allele origin: germline.
Comment: This sequence change replaces isoleucine, which is neutral and non-polar, with valine, which is neutral and non-polar, at codon 474 of the LZTR1 protein (p.Ile474Val). This variant is present in population databases (no rsID available, gnomAD 0.007%). This variant has not been reported in the literature in individuals affected with LZTR1-related conditions. ClinVar contains an entry for this variant (Variation ID: 3238079). Invitae Evidence Modeling of protein sequence and biophysical properties (such as structural, functional, and spatial information, amino acid conservation, physicochemical variation, residue mobility, and thermodynamic stability) indicates that this missense variant is not expected to disrupt LZTR1 protein function with a negative predictive value of 80%. In summary, the available evidence is currently insufficient to determine the role of this variant in disease. Therefore, it has been classified as a Variant of Uncertain Significance.

Ambry Genetics
Classification: Uncertain significance for Cardiovascular phenotype; Hereditary cancer-predisposing syndrome. Last evaluated: 2023-10-06. Review status: criteria provided, single submitter. Criteria: Ambry Variant Classification Scheme 2023. Collection method: clinical testing. Allele origin: germline.
Comment: The p.I474V variant (also known as c.1420A>G), located in coding exon 13 of the LZTR1 gene, results from an A to G substitution at nucleotide position 1420. The isoleucine at codon 474 is replaced by valine, an amino acid with highly similar properties. This amino acid position is conserved. In addition, the in silico prediction for this alteration is inconclusive. Since supporting evidence is limited at this time, the clinical significance of this alteration remains unclear.

NM_006767.4(LZTR1):c.1420A>G (p.Ile474Val)

Gene: LZTR1 (leucine zipper like post translational regulator 1; plus strand). Cytogenetic location: 22q11.21.
Variant type: single nucleotide variant.
Coding change: c.1420A>G on transcript NM_006767.4 (MANE Select); coding-DNA position 1420, A replaced by G.
Protein change: p.Ile474Val; replaces isoleucine 474 with valine.
Molecular consequence: missense variant.
Genome position (GRCh38, 1-based): chr22:20,993,990, A>G. VCF-style: chr22-20993990-A-G. GRCh37 (hg19) VCF-style: chr22-21348279-A-G.
Other names: short protein forms I474V.
Identifiers: ClinVar variation 3238079 (VCV003238079.2), dbSNP rs1393147910.